The following is an entry in ClinVar:

ClinVar aggregate classification (germline): Uncertain significance (1 of 4 stars; one submission).

Submission:

GeneDx
Classification: Uncertain significance. Last evaluated: 2025-08-13. Review status: criteria provided, single submitter. Criteria: GeneDx Variant Classification Process June 2021. Collection method: clinical testing. Allele origin: germline. Affected: yes.
Comment: Not observed at significant frequency in large population cohorts (gnomAD); In silico analysis suggests that this missense variant does not alter protein structure/function; Has not been previously published as pathogenic or benign to our knowledge

NM_000751.3(CHRND):c.19A>T (p.Thr7Ser)

Gene: CHRND (cholinergic receptor nicotinic delta subunit; plus strand). Cytogenetic location: 2q37.1.
Variant type: single nucleotide variant.
Coding change: c.19A>T on transcript NM_000751.3 (MANE Select); coding-DNA position 19, A replaced by T.
Protein change: p.Thr7Ser; replaces threonine 7 with serine.
Molecular consequence: missense variant. On other transcripts: 5 prime UTR variant (2).
Genome position (GRCh38, 1-based): chr2:232,526,234, A>T. VCF-style: chr2-232526234-A-T. GRCh37 (hg19) VCF-style: chr2-233390944-A-T.
Other names: c.19A>T, p.Thr7Ser (NM_001256657.2); c.-253A>T (NM_001311195.2, NM_001311196.2); short protein forms T7S.
Identifiers: ClinVar variation 4795603 (VCV004795603.1).